The following is an entry in ClinVar:

ClinVar aggregate classification (germline): Uncertain significance (1 of 4 stars; one submission).

Conditions:
Hereditary sensory and autonomic neuropathy type 6. Also called: HSAN VI; Neuropathy, hereditary sensory and autonomic, type VI. Identifiers: Orphanet 314381, MedGen C3539003, MONDO:0013839, OMIM 614653.
Epidermolysis bullosa simplex 3, localized or generalized intermediate, with BP230 deficiency (EBS3). Also called: Epidermolysis bullosa simplex, autosomal recessive 2; Epidermolysis bullosa simplex due to BP230 deficiency. Identifiers: Orphanet 412181, MedGen C3809470, MONDO:0014180, OMIM 615425.

Allele frequency attached by ClinVar (database versions not stated): gnomAD exomes below 0.00001; TOPMed below 0.00001; gnomAD 0.00001.
gnomAD v4.1: 6 of 1,612,516 alleles (0.00037%); highest among the groups gnomAD compares: Non-Finnish European, 0.00051%; no homozygotes.

Submission:

Labcorp Genetics (formerly Invitae), Labcorp
Classification: Uncertain significance for Epidermolysis bullosa simplex 3, localized or generalized intermediate, with BP230 deficiency; Hereditary sensory and autonomic neuropathy type 6. Last evaluated: 2022-08-15. Review status: criteria provided, single submitter. Criteria: Invitae Variant Classification Sherloc (09022015). Collection method: clinical testing. Allele origin: germline.
Comment: The DST gene has multiple clinically relevant transcripts. This variant occurs in alternate transcript NM_015548.4, and corresponds to NM_001723.5:c.*15321A>G in the primary transcript. This sequence change replaces tyrosine, which is neutral and polar, with cysteine, which is neutral and slightly polar, at codon 1233 of the DST protein (p.Tyr1233Cys). This variant is present in population databases (no rsID available, gnomAD 0.0009%). This variant has not been reported in the literature in individuals affected with DST-related conditions. Experimental studies and prediction algorithms are not available or were not evaluated, and the functional significance of this variant is currently unknown. In summary, the available evidence is currently insufficient to determine the role of this variant in disease. Therefore, it has been classified as a Variant of Uncertain Significance.

NM_001374736.1(DST):c.11567A>G (p.Tyr3856Cys)

Gene: DST (dystonin; minus strand). Cytogenetic location: 6p12.1.
Variant type: single nucleotide variant.
Coding change: c.11567A>G on transcript NM_001374736.1 (MANE Select); coding-DNA position 11567, A replaced by G.
Protein change: p.Tyr3856Cys; replaces tyrosine 3856 with cysteine.
Molecular consequence: missense variant.
Genome position (GRCh38, 1-based): chr6:56,600,196, T>C on the plus strand (A>G on the coding strand, the complement: DST is on the minus strand). VCF-style: chr6-56600196-T-C. GRCh37 (hg19) VCF-style: chr6-56464994-T-C.
Other names: c.5210A>G, p.Tyr1737Cys (NM_001144769.5); c.4796A>G, p.Tyr1599Cys (NM_001144770.2); c.11567A>G, p.Tyr3856Cys (NM_001374722.1); c.10934A>G, p.Tyr3645Cys (NM_001374729.1); c.4676A>G, p.Tyr1559Cys (NM_001374730.1, NM_001386100.1, NM_183380.4); c.11594A>G, p.Tyr3865Cys (NM_001374734.1); c.3698A>G, p.Tyr1233Cys (NM_015548.5); short protein forms Y1559C, Y1599C, Y3856C, Y3865C, Y3645C, Y1233C, Y1737C.
Identifiers: ClinVar variation 1433210 (VCV001433210.3), dbSNP rs1157658637, ClinGen allele CA364529721.
Genomic context (GRCh38, chr6:56,600,196, plus strand): 5'-CCAATTAGGCGGTTTTCAGTTTGGGTAAGAAGATCACATATCCCTTGGAGTTTCTCTTTA[T>C]ACTCCTGCTGACGCTCTGCTACAATCTAAAGTGAAGAAAACCCAAAACATCTTAAATGTA-3'
Protein context (NP_001361665.1, residues 3846-3866): QKIVAERQQE[Tyr3856Cys]KEKLQGICDL